The following is an entry in ClinVar:

NM_032043.3(BRIP1):c.2015delinsCC (p.Phe672fs)

Gene: BRIP1 (BRCA1 interacting DNA helicase 1; minus strand). Cytogenetic location: 17q23.2.
Variant type: Indel.
Coding change: c.2015delinsCC on transcript NM_032043.3 (MANE Select); coding-DNA position 2015, T replaced by CC.
Protein change: p.Phe672fs; shifts the reading frame from phenylalanine 672.
Molecular consequence: frameshift variant.
Genome position (GRCh38, 1-based): chr17:61,776,483, A replaced by GG on the plus strand (T replaced by CC on the coding strand, the reverse complement: BRIP1 is on the minus strand). VCF-style: chr17-61776483-A-GG. GRCh37 (hg19) VCF-style: chr17-59853844-A-GG.
Other names: c.2015delTinsCC (NM_032043.2); short protein forms F672fs.
Identifiers: ClinVar variation 479448 (VCV000479448.7), dbSNP rs1555601094, ClinGen allele CA658658667.

ClinVar aggregate classification (germline): Pathogenic. Review status: criteria provided, multiple submitters, no conflicts (2 of 4 stars). 2 submissions from 2 submitters: Pathogenic (2). Last evaluated 2023-06-05.

Conditions:
Hereditary cancer-predisposing syndrome. Also called: Neoplastic Syndromes, Hereditary; Hereditary Cancer Syndrome; Hereditary neoplastic syndrome; Tumor predisposition. Identifiers: Orphanet 140162, MedGen C0027672, MeSH D009386, MONDO:0015356.
Familial cancer of breast. Also called: BREAST CANCER, FAMILIAL; hereditary breast carcinoma; Hereditary breast cancer. Identifiers: Orphanet 227535, MedGen C0346153, MONDO:0016419, OMIM 114480. Disease mechanism: loss of function.

Submissions (2):

Myriad Genetics, Inc.
Classification: Pathogenic for Familial cancer of breast. Last evaluated: 2023-06-05. Review status: criteria provided, single submitter. Criteria: Myriad Autosomal Dominant, Autosomal Recessive and X-Linked Classification Criteria (2023). Collection method: clinical testing. Allele origin: unknown.
Comment: This variant is considered pathogenic. This variant creates a frameshift predicted to result in premature protein truncation.

Ambry Genetics
Classification: Pathogenic for Hereditary cancer-predisposing syndrome. Last evaluated: 2016-09-29. Review status: criteria provided, single submitter. Criteria: Ambry Variant Classification Scheme 2023. Collection method: clinical testing. Allele origin: germline.
Comment: The c.2015delTinsCC pathogenic mutation, located in coding exon 13 of the BRIP1 gene, results from the deletion of one nucleotide and insertion of two nucleotides causing a translational frameshift with a predicted alternate stop codon. This alteration is expected to result in loss of function by premature protein truncation or nonsense-mediated mRNA decay. As such, this alteration is interpreted as a disease-causing mutation.